The following is an entry in ClinVar:

ClinVar aggregate classification (germline): Uncertain significance (1 of 4 stars; one submission).

Conditions:
GRN-related frontotemporal lobar degeneration with Tdp43 inclusions (FTD2). Also called: GRN Frontotemporal Dementia; FRONTOTEMPORAL DEMENTIA WITH TDP43 INCLUSIONS, GRN-RELATED; DEMENTIA, HEREDITARY DYSPHASIC DISINHIBITION; FRONTOTEMPORAL LOBAR DEGENERATION WITH UBIQUITIN-POSITIVE INCLUSIONS; FTLD-TDP, GRN-RELATED. Identifiers: Orphanet 100070, Orphanet 282, MedGen C1843792, MONDO:0011842, OMIM 607485. Disease mechanism: loss of function.
Neuronal ceroid lipofuscinosis 11. Also called: GRN-Related Neuronal Ceroid-Lipofuscinosis. Identifiers: Orphanet 314629, Orphanet 79262, MedGen C3539123, MONDO:0013866, OMIM 614706.

Allele frequency attached by ClinVar (database versions not stated): TOPMed below 0.00001; gnomAD 0.00001.
gnomAD v4.1: 3 of 1,613,666 alleles (0.00019%); highest among the groups gnomAD compares: Non-Finnish European, 0.00025%; no homozygotes.

Submission:

Labcorp Genetics (formerly Invitae), Labcorp
Classification: Uncertain significance for Neuronal ceroid lipofuscinosis 11; GRN-related frontotemporal lobar degeneration with Tdp43 inclusions. Last evaluated: 2022-11-07. Review status: criteria provided, single submitter. Criteria: Invitae Variant Classification Sherloc (09022015). Collection method: clinical testing. Allele origin: germline.
Comment: Advanced modeling of protein sequence and biophysical properties (such as structural, functional, and spatial information, amino acid conservation, physicochemical variation, residue mobility, and thermodynamic stability) performed at Invitae indicates that this missense variant is not expected to disrupt GRN protein function. In summary, the available evidence is currently insufficient to determine the role of this variant in disease. Therefore, it has been classified as a Variant of Uncertain Significance. This variant has not been reported in the literature in individuals affected with GRN-related conditions. This sequence change replaces serine, which is neutral and polar, with arginine, which is basic and polar, at codon 420 of the GRN protein (p.Ser420Arg). This variant is not present in population databases (gnomAD no frequency).

NM_002087.4(GRN):c.1260C>G (p.Ser420Arg)

Gene: GRN (granulin precursor; plus strand). Cytogenetic location: 17q21.31.
Variant type: single nucleotide variant.
Coding change: c.1260C>G on transcript NM_002087.4 (MANE Select); coding-DNA position 1260, C replaced by G.
Protein change: p.Ser420Arg; replaces serine 420 with arginine.
Molecular consequence: missense variant.
Genome position (GRCh38, 1-based): chr17:44,352,095, C>G. VCF-style: chr17-44352095-C-G. GRCh37 (hg19) VCF-style: chr17-42429463-C-G.
Other names: short protein forms S420R.
Identifiers: ClinVar variation 2930629 (VCV002930629.3), dbSNP rs773422804, ClinGen allele CA399768615.